The following is an entry in ClinVar:

NM_000246.4(CIITA):c.985A>C (p.Asn329His)

Gene: CIITA (class II major histocompatibility complex transactivator; plus strand). Cytogenetic location: 16p13.13.
Variant type: single nucleotide variant.
Coding change: c.985A>C on transcript NM_000246.4 (MANE Select); coding-DNA position 985, A replaced by C.
Protein change: p.Asn329His; replaces asparagine 329 with histidine.
Molecular consequence: missense variant. On other transcripts: non-coding transcript variant (1).
Genome position (GRCh38, 1-based): chr16:10,904,791, A>C. VCF-style: chr16-10904791-A-C. GRCh37 (hg19) VCF-style: chr16-10998648-A-C.
Other names: c.988A>C, p.Asn330His (NM_001286402.1, NM_001379332.1); c.838A>C, p.Asn280His (NM_001286403.2, NM_001379331.1); c.841A>C, p.Asn281His (NM_001379330.1); c.985A>C, p.Asn329His (NM_001379333.1); c.916A>C, p.Asn306His (NM_001379334.1); short protein forms N306H, N280H, N281H, N330H, N329H.
Identifiers: ClinVar variation 2050893 (VCV002050893.4), dbSNP rs2544446895, ClinGen allele CA394729521.

ClinVar aggregate classification (germline): Uncertain significance (1 of 4 stars; one submission).

Conditions:
MHC class II deficiency. Also called: Bare lymphocyte syndrome 2; BLS, TYPE II. Identifiers: Orphanet 572, MedGen C5447452, MONDO:0008855.

Submission:

Labcorp Genetics (formerly Invitae), Labcorp
Classification: Uncertain significance for MHC class II deficiency. Last evaluated: 2022-03-26. Review status: criteria provided, single submitter. Criteria: Invitae Variant Classification Sherloc (09022015). Collection method: clinical testing. Allele origin: germline.
Comment: This variant is not present in population databases (gnomAD no frequency). In summary, the available evidence is currently insufficient to determine the role of this variant in disease. Therefore, it has been classified as a Variant of Uncertain Significance. Algorithms developed to predict the effect of missense changes on protein structure and function (SIFT, PolyPhen-2, Align-GVGD) all suggest that this variant is likely to be tolerated. This variant has not been reported in the literature in individuals affected with CIITA-related conditions. This sequence change replaces asparagine, which is neutral and polar, with histidine, which is basic and polar, at codon 329 of the CIITA protein (p.Asn329His).